The following is an entry in ClinVar:

NC_000012.12:g.(?_32877836)_(32896741_?)del

Gene: PKP2 (plakophilin 2; minus strand). Cytogenetic location: 12p11.21.
Variant type: Deletion.
Identifiers: ClinVar variation 831873 (VCV000831873.1).

ClinVar aggregate classification (germline): Pathogenic (1 of 4 stars; one submission).

Conditions:
Arrhythmogenic right ventricular dysplasia 9 (ARVD9). Also called: ARRHYTHMOGENIC RIGHT VENTRICULAR DYSPLASIA, FAMILIAL, 9; Arrhythmogenic Right Ventricular Dysplasia/Cardiomyopathy 9. Identifiers: MedGen C1836906, MONDO:0012180, OMIM 609040.

Submission:

Labcorp Genetics (formerly Invitae), Labcorp
Classification: Pathogenic for Arrhythmogenic right ventricular cardiomyopathy, type 9. Last evaluated: 2019-09-23. Review status: criteria provided, single submitter. Criteria: Invitae Variant Classification Sherloc (09022015). Collection method: clinical testing. Allele origin: germline.
Comment: This variant is a gross deletion of the genomic region encompassing exons 1-3 of the PKP2 gene, which includes the initiator codon. The 5' end of this event is unknown as it extends beyond the assayed region for this gene and therefore may encompass additional genes. The 3' boundary is likely confined to intron 2 of the PKP2 gene. This is expected to result in an absent or disrupted protein product. This variant has not been reported in the literature in individuals with PKP2-related conditions. Loss-of-function variants in PKP2 are known to be pathogenic (PMID: 15489853, 23911551). For these reasons, this variant has been classified as Pathogenic.